The following is an entry in ClinVar:

ClinVar aggregate classification (germline): Pathogenic (1 of 4 stars; one submission).

Submission:

GeneDx
Classification: Pathogenic. Last evaluated: 2016-09-09. Review status: criteria provided, single submitter. Criteria: GeneDx Variant Classification (06012015). Collection method: clinical testing. Allele origin: germline. Affected: yes.
Comment: The c.92delC pathogenic variant in the AP1S2 gene has not been reported previously as a pathogenicvariant nor as a benign variant, to our knowledge. The c.92delC variant causes a frameshift startingwith codon Threonine 31, changes this amino acid to a Lysine residue, and creates a premature Stopcodon at position 9 of the new reading frame, denoted p.Thr31LysfsX9. This variant is predicted tocause loss of normal protein function either through protein truncation or nonsense-mediated mRNAdecay. The c.92delC variant was not observed in approximately 6500 individuals of European andAfrican American ancestry in the NHLBI Exome Sequencing Project, indicating it is not a commonbenign variant in these populations. We interpret c.92delC as a pathogenic variant.

NM_001272071.2(AP1S2):c.92del (p.Thr31fs)

Gene: AP1S2 (adaptor related protein complex 1 subunit sigma 2; minus strand). Cytogenetic location: Xp22.2.
Variant type: Deletion.
Coding change: c.92del on transcript NM_001272071.2 (MANE Select); coding-DNA position 92, one base deleted (C; older notation c.92delC).
Protein change: p.Thr31fs; shifts the reading frame from threonine 31.
Molecular consequence: frameshift variant. On other transcripts: non-coding transcript variant (2).
Genome position (GRCh38, 1-based): chrX:15,852,433, G deleted on the plus strand (C on the coding strand, the reverse complement: AP1S2 is on the minus strand). VCF-style (leftmost placement, unchanged base first): chrX-15852432-TG-T. GRCh37 (hg19) VCF-style: chrX-15870555-TG-T.
Other names: c.92del, p.Thr31fs (NM_001368994.1, NM_001369007.1, NM_001369008.1 and 1 more transcripts); short protein forms T31fs.
Identifiers: ClinVar variation 280826 (VCV000280826.2), dbSNP rs886041964, ClinGen allele CA10603542.